The following is an entry in ClinVar:

ClinVar aggregate classification (germline): Benign. Review status: criteria provided, multiple submitters, no conflicts (2 of 4 stars). 5 submissions from 5 submitters: Benign (4). 1 of the submissions does not count toward it. Last evaluated 2025-09-02.

Conditions:
CACNA1E-related disorder. Also called: CACNA1E-related condition.
Developmental and epileptic encephalopathy, 69. Also called: EPILEPTIC ENCEPHALOPATHY, EARLY INFANTILE, 69. Identifiers: MedGen C4748988, MONDO:0032657, OMIM 618285.

gnomAD v4.1: 39 of 1,417,512 alleles (0.0028%); highest among the groups gnomAD compares: Admixed American, 0.061%; no homozygotes.

Submissions (5):

Labcorp Genetics (formerly Invitae), Labcorp
Classification: Benign. Last evaluated: 2025-09-02. Review status: criteria provided, single submitter. Criteria: Invitae Variant Classification Sherloc (09022015). Collection method: clinical testing. Allele origin: germline.

Mayo Clinic Laboratories, Mayo Clinic
Classification: Benign. Last evaluated: 2025-03-14. Review status: criteria provided, single submitter. Criteria: ACMG Guidelines, 2015. Collection method: clinical testing. Allele origin: germline. Observed: 1 variant allele.
Comment: BS1, BP4, BP7

Genome-Nilou Lab
Classification: Benign for Developmental and epileptic encephalopathy, 69. Last evaluated: 2023-04-11. Review status: criteria provided, single submitter. Criteria: ACMG Guidelines, 2015. Collection method: clinical testing. Allele origin: germline. Affected: no.

GeneDx
Classification: Benign. Last evaluated: 2021-08-18. Review status: criteria provided, single submitter. Criteria: GeneDx Variant Classification Process June 2021. Collection method: clinical testing. Allele origin: germline. Affected: yes.

PreventionGenetics, part of Exact Sciences
Classification: Likely benign for CACNA1E-related condition. Last evaluated: 2020-02-14. Review status: no assertion criteria provided. Collection method: clinical testing. Allele origin: germline. Not counted in ClinVar's aggregate classification.
Comment: This variant is classified as likely benign based on ACMG/AMP sequence variant interpretation guidelines (Richards et al. 2015 PMID: 25741868, with internal and published modifications).

NM_001205293.3(CACNA1E):c.1638+10C>A

Gene: CACNA1E (calcium voltage-gated channel subunit alpha1 E; plus strand). Cytogenetic location: 1q25.3.
Variant type: single nucleotide variant.
Coding change: c.1638+10C>A on transcript NM_001205293.3 (MANE Select); 10 bases into the intron after coding-DNA position 1638, C replaced by A.
Molecular consequence: intron variant.
Genome position (GRCh38, 1-based): chr1:181,718,177, C>A. VCF-style: chr1-181718177-C-A. GRCh37 (hg19) VCF-style: chr1-181687313-C-A.
Other names: p.?; c.1638+10C>A (NM_000721.4, NM_001205294.2, NM_000721.3).
Identifiers: ClinVar variation 1254344 (VCV001254344.13), dbSNP rs371576889, ClinGen allele CA1275156.